The following is an entry in ClinVar:

NM_000059.4(BRCA2):c.7066T>G (p.Phe2356Val)

Gene: BRCA2 (BRCA2 DNA repair associated; plus strand). Cytogenetic location: 13q13.1.
Variant type: single nucleotide variant.
Coding change: c.7066T>G on transcript NM_000059.4 (MANE Select); coding-DNA position 7066, T replaced by G.
Protein change: p.Phe2356Val; replaces phenylalanine 2356 with valine.
Molecular consequence: missense variant.
Genome position (GRCh38, 1-based): chr13:32,354,919, T>G. VCF-style: chr13-32354919-T-G. GRCh37 (hg19) VCF-style: chr13-32929056-T-G.
Other names: short protein forms F2356V.
Identifiers: ClinVar variation 216254 (VCV000216254.17), dbSNP rs863224596, ClinGen allele CA338479.

ClinVar aggregate classification (germline): Uncertain significance. Review status: criteria provided, multiple submitters, no conflicts (2 of 4 stars). 4 submissions from 4 submitters: Uncertain significance (4). Last evaluated 2024-01-26.

Conditions:
Hereditary cancer-predisposing syndrome. Also called: Tumor predisposition; Hereditary Cancer Syndrome; Neoplastic Syndromes, Hereditary; Hereditary neoplastic syndrome. Identifiers: Orphanet 140162, MedGen C0027672, MeSH D009386, MONDO:0015356.
Hereditary breast ovarian cancer syndrome. Also called: Hereditary breast and/or ovarian cancer syndrome; BRCA1- and BRCA2-Associated Hereditary Breast and Ovarian Cancer; Hereditary breast and ovarian cancer; Hereditary breast and ovarian cancer syndrome (HBOC); Breast and ovarian cancer; Hereditary breast and ovarian cancer syndrome. Identifiers: Orphanet 145, MedGen C0677776, MeSH D061325, MONDO:0003582. Disease mechanism: loss of function.
Breast-ovarian cancer, familial, susceptibility to, 2 (BROVCA2). Also called: BRCA2 Hereditary Breast and Ovarian Cancer. Identifiers: Orphanet 145, MedGen C2675520, MONDO:0012933, OMIM 612555. Disease mechanism: loss of function.

Allele frequency attached by ClinVar (database versions not stated): gnomAD 0.00001; TOPMed 0.00001.
gnomAD v4.1: 1 of 1,613,746 alleles (0.000062%); highest among the groups gnomAD compares: African/African-American, 0.0013%; no homozygotes.

Submissions (4):

Ambry Genetics
Classification: Uncertain significance for Hereditary cancer-predisposing syndrome. Last evaluated: 2024-01-26. Review status: criteria provided, single submitter. Criteria: Ambry Variant Classification Scheme 2023. Collection method: clinical testing. Allele origin: germline.
Comment: The p.F2356V variant (also known as c.7066T>G), located in coding exon 13 of the BRCA2 gene, results from a T to G substitution at nucleotide position 7066. The phenylalanine at codon 2356 is replaced by valine, an amino acid with highly similar properties. This amino acid position is not well conserved in available vertebrate species. In addition, the in silico prediction for this alteration is inconclusive. Based on the available evidence, the clinical significance of this alteration remains unclear.

Labcorp Genetics (formerly Invitae), Labcorp
Classification: Uncertain significance for Hereditary breast ovarian cancer syndrome. Last evaluated: 2023-12-15. Review status: criteria provided, single submitter. Criteria: Invitae Variant Classification Sherloc (09022015). Collection method: clinical testing. Allele origin: germline.
Comment: This sequence change replaces phenylalanine, which is neutral and non-polar, with valine, which is neutral and non-polar, at codon 2356 of the BRCA2 protein (p.Phe2356Val). This variant is not present in population databases (gnomAD no frequency). This variant has not been reported in the literature in individuals affected with BRCA2-related conditions. ClinVar contains an entry for this variant (Variation ID: 216254). Advanced modeling of protein sequence and biophysical properties (such as structural, functional, and spatial information, amino acid conservation, physicochemical variation, residue mobility, and thermodynamic stability) performed at Invitae indicates that this missense variant is not expected to disrupt BRCA2 protein function with a negative predictive value of 95%. In summary, the available evidence is currently insufficient to determine the role of this variant in disease. Therefore, it has been classified as a Variant of Uncertain Significance.

St. Jude Molecular Pathology, St. Jude Children's Research Hospital
Classification: Uncertain significance for Breast-ovarian cancer, familial, susceptibility to, 2. Last evaluated: 2023-12-13. Review status: criteria provided, single submitter. Criteria: St. Jude Assertion Criteria 2020. Collection method: clinical testing. Allele origin: germline.
Comment: The BRCA2 c.7066T>G (p.Phe2356Val) missense change is absent in gnomAD v2.1.1. The in silico tool REVEL is inconclusive about a pathogenic or benign effect of this variant on protein function, and to our knowledge functional studies have not been performed. To our knowledge, this variant has not been reported in individuals with Fanconi anemia. In summary, the evidence currently available is insufficient to determine the clinical significance of this variant. It has therefore been classified as of uncertain significance.

Women's Health and Genetics/Laboratory Corporation of America, LabCorp
Classification: Uncertain significance. Last evaluated: 2023-09-05. Review status: criteria provided, single submitter. Criteria: LabCorp Variant Classification Summary - May 2015. Collection method: clinical testing. Allele origin: germline.
Comment: Variant summary: BRCA2 c.7066T>G (p.Phe2356Val) results in a non-conservative amino acid change in the encoded protein sequence. Three of five in-silico tools predict a benign effect of the variant on protein function. The variant allele was found at a frequency of 5.7e-06 in 351076 control chromosomes (gnomAD, Momozawa_2018, Okawa_2023). The available data on variant occurrences in the general population are insufficient to allow any conclusion about variant significance. To our knowledge, no occurrence of c.7066T>G in individuals affected with Hereditary Breast And Ovarian Cancer Syndrome and no experimental evidence demonstrating its impact on protein function have been reported. The following publications have been ascertained in the context of this evaluation (PMID: 30287823, 36243179). Two submitters have cited clinical-significance assessments for this variant to ClinVar after 2014. Both submitters classified the variant as uncertain significance. Based on the evidence outlined above, the variant was classified as uncertain significance.

Literature cited by the submitters: PubMed 30287823 (cited by Ambry Genetics and Women's Health and Genetics/Laboratory Corporation of America, LabCorp); PubMed 36243179 (cited by Women's Health and Genetics/Laboratory Corporation of America, LabCorp).